The following is an entry in ClinVar:

NM_152296.5(ATP1A3):c.2045G>A (p.Arg682His)

Gene: ATP1A3 (ATPase Na+/K+ transporting subunit alpha 3; minus strand). Cytogenetic location: 19q13.2.
Variant type: single nucleotide variant.
Coding change: c.2045G>A on transcript NM_152296.5 (MANE Select); coding-DNA position 2045, G replaced by A.
Protein change: p.Arg682His; replaces arginine 682 with histidine.
Molecular consequence: missense variant.
Genome position (GRCh38, 1-based): chr19:41,976,465, C>T on the plus strand (G>A on the coding strand, the complement: ATP1A3 is on the minus strand). VCF-style: chr19-41976465-C-T. GRCh37 (hg19) VCF-style: chr19-42480617-C-T.
Other names: c.2078G>A, p.Arg693His (NM_001256213.2); c.2084G>A, p.Arg695His (NM_001256214.2); short protein forms R682H, R693H, R695H.
Identifiers: ClinVar variation 2412993 (VCV002412993.2), dbSNP rs1555861290, ClinGen allele CA406042824.

ClinVar aggregate classification (germline): Uncertain significance (1 of 4 stars; one submission).

Submission:

GeneDx
Classification: Uncertain significance. Last evaluated: 2022-07-30. Review status: criteria provided, single submitter. Criteria: GeneDx Variant Classification Process June 2021. Collection method: clinical testing. Allele origin: germline. Affected: yes.
Comment: Not observed at significant frequency in large population cohorts (gnomAD); In silico analysis supports that this missense variant has a deleterious effect on protein structure/function; Has not been previously published as pathogenic or benign to our knowledge